The following is an entry in ClinVar:

NM_013254.4(TBK1):c.349C>T (p.Arg117Ter)

Gene: TBK1 (TANK binding kinase 1; plus strand). Cytogenetic location: 12q14.2.
Variant type: single nucleotide variant.
Coding change: c.349C>T on transcript NM_013254.4 (MANE Select); coding-DNA position 349, C replaced by T.
Protein change: p.Arg117Ter; replaces arginine 117 with a stop codon.
Molecular consequence: nonsense.
Genome position (GRCh38, 1-based): chr12:64,464,454, C>T. VCF-style: chr12-64464454-C-T. GRCh37 (hg19) VCF-style: chr12-64858234-C-T.
Other names: short protein forms R117*.
Identifiers: ClinVar variation 1339689 (VCV001339689.4), dbSNP rs757203783, ClinGen allele CA6668769.

ClinVar aggregate classification (germline): Pathogenic/Likely pathogenic. Review status: criteria provided, multiple submitters, no conflicts (2 of 4 stars). 2 submissions from 2 submitters: Pathogenic (1); Likely pathogenic (1). Last evaluated 2024-08-15.

Conditions:
Frontotemporal dementia and/or amyotrophic lateral sclerosis 4. Also called: FTDALS4. Identifiers: Orphanet 275872, MedGen C4225325, MONDO:0014641, OMIM 616439.

gnomAD v4.1: 3 of 1,579,730 alleles (0.00019%); highest among the groups gnomAD compares: South Asian, 0.0012%; no homozygotes.

Submissions (2):

Labcorp Genetics (formerly Invitae), Labcorp
Classification: Pathogenic for Frontotemporal dementia and/or amyotrophic lateral sclerosis 4. Last evaluated: 2024-08-15. Review status: criteria provided, single submitter. Criteria: Invitae Variant Classification Sherloc (09022015). Collection method: clinical testing. Allele origin: germline.
Comment: This sequence change creates a premature translational stop signal (p.Arg117*) in the TBK1 gene. It is expected to result in an absent or disrupted protein product. Loss-of-function variants in TBK1 are known to be pathogenic (PMID: 25803835, 26476236, 26581300). The frequency data for this variant in the population databases is considered unreliable, as metrics indicate poor data quality at this position in the gnomAD database. This premature translational stop signal has been observed in individual(s) with frontotemporal dementia (PMID: 25943890, 28008748). ClinVar contains an entry for this variant (Variation ID: 1339689). Algorithms developed to predict the effect of sequence changes on RNA splicing suggest that this variant may disrupt the consensus splice site. For these reasons, this variant has been classified as Pathogenic.

Women's Health and Genetics/Laboratory Corporation of America, LabCorp
Classification: Likely pathogenic for Frontotemporal dementia and/or amyotrophic lateral sclerosis 4. Last evaluated: 2022-01-12. Review status: criteria provided, single submitter. Criteria: LabCorp Variant Classification Summary - May 2015. Collection method: clinical testing. Allele origin: germline.
Comment: Variant summary: TBK1 c.349C>T (p.Arg117X) results in a premature termination codon, predicted to cause a truncation of the encoded protein or absence of the protein due to nonsense mediated decay, which are commonly known mechanisms for disease. Truncations downstream of this position have not been classified as pathogenic by our laboratory but have been reported with an associated phenotype of Amyotrophic lateral sclerosis (ALS) in the HGMD database. The variant allele was found at a frequency of 8.3e-06 in 239886 control chromosomes. c.349C>T has been reported in the literature in individuals affected with Frontotemporal Dementia And/or Amyotrophic Lateral Sclerosis (example, Cirulli_2015, Pottier_2015). At-least one of these reported cases reported a co-occurrence with another pathogenic variant(s) (OPTN c.1243-740_1612+1292delins25, p.Gly538Glufs27), suggesting an oligogenic disease mechanism (example, Pottier_2015). To our knowledge, no experimental evidence demonstrating an impact on protein function has been reported. No clinical diagnostic laboratories have submitted clinical-significance assessments for this variant to ClinVar after 2014. Based on the evidence outlined above, the variant was classified as likely pathogenic.

Literature cited by the submitters: PubMed 25803835 (cited by Labcorp Genetics (formerly Invitae), Labcorp); PubMed 26476236 (cited by Labcorp Genetics (formerly Invitae), Labcorp); PubMed 26581300 (cited by Labcorp Genetics (formerly Invitae), Labcorp); PubMed 25943890 (cited by Labcorp Genetics (formerly Invitae), Labcorp and Women's Health and Genetics/Laboratory Corporation of America, LabCorp); PubMed 28008748 (cited by Labcorp Genetics (formerly Invitae), Labcorp and Women's Health and Genetics/Laboratory Corporation of America, LabCorp); PubMed 25700176 (cited by Women's Health and Genetics/Laboratory Corporation of America, LabCorp); PubMed 28822984 (cited by Women's Health and Genetics/Laboratory Corporation of America, LabCorp).